The following is an entry in ClinVar:

ClinVar aggregate classification (germline): Uncertain significance (1 of 4 stars; one submission).

Conditions:
Inborn genetic diseases. Identifiers: MedGen C0950123, MeSH D030342.

Allele frequency attached by ClinVar (database versions not stated): TOPMed below 0.00001.

Submission:

Ambry Genetics
Classification: Uncertain significance for Inborn genetic diseases. Last evaluated: 2023-06-17. Review status: criteria provided, single submitter. Criteria: Ambry Variant Classification Scheme 2023. Collection method: clinical testing. Allele origin: germline.
Comment: The p.A617T variant (also known as c.1849G>A), located in coding exon 20 of the ERCC2 gene, results from a G to A substitution at nucleotide position 1849. The alanine at codon 617 is replaced by threonine, an amino acid with similar properties. This amino acid position is conserved. In addition, the in silico prediction for this alteration is inconclusive. Since supporting evidence is limited at this time, the clinical significance of this alteration remains unclear.

NM_000400.4(ERCC2):c.1849G>A (p.Ala617Thr)

Gene: ERCC2 (ERCC excision repair 2, TFIIH core complex helicase subunit; minus strand). Cytogenetic location: 19q13.32.
Variant type: single nucleotide variant.
Coding change: c.1849G>A on transcript NM_000400.4 (MANE Select); coding-DNA position 1849, G replaced by A.
Protein change: p.Ala617Thr; replaces alanine 617 with threonine.
Molecular consequence: missense variant.
Genome position (GRCh38, 1-based): chr19:45,352,799, C>T on the plus strand (G>A on the coding strand, the complement: ERCC2 is on the minus strand). VCF-style: chr19-45352799-C-T. GRCh37 (hg19) VCF-style: chr19-45856057-C-T.
Other names: short protein forms A617T.
Identifiers: ClinVar variation 2586769 (VCV002586769.2), dbSNP rs1971858283, ClinGen allele CA406363897.
Genomic context (GRCh38, chr19:45,352,799, plus strand): 5'-TACTCACCTTGAGAATGCGGCTCTGTGTGTAGACGTAGGGGACGCCAAACATGATGACGG[C>T]CCGCCCGTAGTGGTGCACTGGTGGGCAGAGGAGAGGGGGCGAGGGGGGTTACAAGTGTGG-3'
Protein context (NP_000391.1, residues 607-627): GIDFVHHYGR[Ala617Thr]VIMFGVPYVY